The following is an entry in ClinVar:

NM_000548.5(TSC2):c.226-17C>T

Gene: TSC2 (TSC complex subunit 2; plus strand). Cytogenetic location: 16p13.3.
Variant type: single nucleotide variant.
Coding change: c.226-17C>T on transcript NM_000548.5 (MANE Select); 17 bases into the intron before coding-DNA position 226, C replaced by T.
Molecular consequence: intron variant.
Genome position (GRCh38, 1-based): chr16:2,053,325, C>T. VCF-style: chr16-2053325-C-T. GRCh37 (hg19) VCF-style: chr16-2103326-C-T.
Other names: c.226-17C>T (NM_001114382.3, NM_021055.3, NM_001370405.1 and 3 more transcripts); c.226-971C>T (NM_001318827.2); c.-2+2839C>T (NM_001318831.2); c.79-17C>T (NM_001318829.2); c.259-17C>T (NM_001318832.2).
Identifiers: ClinVar variation 1530775 (VCV001530775.9), dbSNP rs1356531469, ClinGen allele CA620372910.

ClinVar aggregate classification (germline): Likely benign. Review status: criteria provided, multiple submitters, no conflicts (2 of 4 stars). 2 submissions from 2 submitters: Likely benign (2). Last evaluated 2026-01-30.

Conditions:
Tuberous sclerosis 2 (TSC2). Identifiers: Orphanet 805, MedGen C1860707, MONDO:0013199, OMIM 613254.

Allele frequency attached by ClinVar (database versions not stated): TOPMed below 0.00001; gnomAD exomes 0.00001.
gnomAD v4.1: 11 of 1,564,024 alleles (0.0007%); highest among the groups gnomAD compares: Admixed American, 0.0038%; no homozygotes.

Submissions (2):

Labcorp Genetics (formerly Invitae), Labcorp
Classification: Likely benign for Tuberous sclerosis 2. Last evaluated: 2026-01-30. Review status: criteria provided, single submitter. Criteria: Invitae Variant Classification Sherloc (09022015). Collection method: clinical testing. Allele origin: germline.

Myriad Genetics, Inc.
Classification: Likely benign for Tuberous sclerosis 2. Last evaluated: 2025-05-02. Review status: criteria provided, single submitter. Criteria: Myriad Autosomal Dominant, Autosomal Recessive and X-Linked Classification Criteria (2023). Collection method: clinical testing. Allele origin: unknown.
Comment: This variant is considered likely benign. This variant is intronic and is not expected to impact mRNA splicing.